The following is an entry in ClinVar:

ClinVar aggregate classification (germline): Likely benign (0 of 4 stars; one submission).

Conditions:
INO80-related disorder. Also called: INO80-related condition.

Allele frequency attached by ClinVar (database versions not stated): TOPMed 0.00001; gnomAD 0.00005; ExAC 0.00010; 1000 Genomes Project 30x 0.00016; 1000 Genomes Project 0.00020.
gnomAD v4.1: 110 of 1,608,710 alleles (0.0068%); highest among the groups gnomAD compares: East Asian, 0.22%; no homozygotes.

Submission:

PreventionGenetics, part of Exact Sciences
Classification: Likely benign for INO80-related condition. Last evaluated: 2019-03-20. Review status: no assertion criteria provided. Collection method: clinical testing. Allele origin: germline.
Comment: This variant is classified as likely benign based on ACMG/AMP sequence variant interpretation guidelines (Richards et al. 2015 PMID: 25741868, with internal and published modifications).

NM_017553.3(INO80):c.3462G>A (p.Ser1154=)

Gene: INO80 (INO80 complex ATPase subunit; minus strand). Cytogenetic location: 15q15.1.
Variant type: single nucleotide variant.
Coding change: c.3462G>A on transcript NM_017553.3 (MANE Select); coding-DNA position 3462, G replaced by A.
Protein change: p.Ser1154=; no amino-acid change (serine 1154 retained).
Molecular consequence: synonymous variant. On other transcripts: non-coding transcript variant (1).
Genome position (GRCh38, 1-based): chr15:41,005,628, C>T on the plus strand (G>A on the coding strand, the complement: INO80 is on the minus strand). VCF-style: chr15-41005628-C-T. GRCh37 (hg19) VCF-style: chr15-41297826-C-T.
Identifiers: ClinVar variation 3057570 (VCV003057570.2), dbSNP rs376233588, ClinGen allele CA7488735.
Genomic context (GRCh38, chr15:41,005,628, plus strand): 5'-TTTTTGTAATTCCCATGAACATTACCTGTTCTGAAAATCAGCAACCATGTCTCGCCTCTC[C>T]GAGATCTTGGATGAGCCATCAAGCCTCATGTAGGTATGCTTCCTGTAAACCATGTATTCC-3'
Protein context (NP_060023.1, residues 1144-1164): YMRLDGSSKI[Ser1154=]ERRDMVADFQ